The following is an entry in ClinVar:

NM_000065.5(C6):c.826G>A (p.Gly276Arg)

Gene: C6 (complement C6; minus strand). Cytogenetic location: 5p13.1.
Variant type: single nucleotide variant.
Coding change: c.826G>A on transcript NM_000065.5 (MANE Select); coding-DNA position 826, G replaced by A.
Protein change: p.Gly276Arg; replaces glycine 276 with arginine.
Molecular consequence: missense variant.
Genome position (GRCh38, 1-based): chr5:41,181,460, C>T on the plus strand (G>A on the coding strand, the complement: C6 is on the minus strand). VCF-style: chr5-41181460-C-T. GRCh37 (hg19) VCF-style: chr5-41181562-C-T.
Other names: c.826G>A, p.Gly276Arg (NM_001115131.4); short protein forms G276R.
Identifiers: ClinVar variation 2092621 (VCV002092621.4), dbSNP rs544279109, ClinGen allele CA117780262.

ClinVar aggregate classification (germline): Uncertain significance (1 of 4 stars; one submission).

Allele frequency attached by ClinVar (database versions not stated): gnomAD exomes below 0.00001.
gnomAD v4.1: 1 of 1,613,610 alleles (0.000062%); highest among the groups gnomAD compares: South Asian, 0.0011%; no homozygotes.

Submission:

Labcorp Genetics (formerly Invitae), Labcorp
Classification: Uncertain significance. Last evaluated: 2022-02-03. Review status: criteria provided, single submitter. Criteria: Invitae Variant Classification Sherloc (09022015). Collection method: clinical testing. Allele origin: germline.
Comment: This variant has not been reported in the literature in individuals affected with C6-related conditions. In summary, the available evidence is currently insufficient to determine the role of this variant in disease. Therefore, it has been classified as a Variant of Uncertain Significance. Algorithms developed to predict the effect of missense changes on protein structure and function output the following: SIFT: "Tolerated"; PolyPhen-2: "Benign"; Align-GVGD: "Class C0". The arginine amino acid residue is found in multiple mammalian species, which suggests that this missense change does not adversely affect protein function. This variant is not present in population databases (gnomAD no frequency). This sequence change replaces glycine, which is neutral and non-polar, with arginine, which is basic and polar, at codon 276 of the C6 protein (p.Gly276Arg).